The following is an entry in ClinVar:

ClinVar aggregate classification (germline): Likely pathogenic. Review status: criteria provided, single submitter (1 of 4 stars). 2 submissions from 2 submitters: Likely pathogenic (1). 1 of the submissions does not count toward it. Last evaluated 2022-01-03.

Conditions:
Curry-Hall syndrome (WAD). Also called: WEYERS ACRODENTAL DYSOSTOSIS. Identifiers: Orphanet 952, MedGen C0457013, MONDO:0008673, OMIM 193530.
Ellis-van Creveld syndrome (EVC). Also called: EVC2-Related Ellis-van Creveld Syndrome; EVC-Related Ellis-van Creveld Syndrome; MESOECTODERMAL DYSPLASIA; Chondroectodermal dysplasia. Identifiers: Orphanet 289, MedGen C0013903, MONDO:0009162, OMIM 225500.

Submissions (2):

Labcorp Genetics (formerly Invitae), Labcorp
Classification: Likely pathogenic for Curry-Hall syndrome; Ellis-van Creveld syndrome. Last evaluated: 2022-01-03. Review status: criteria provided, single submitter. Criteria: Invitae Variant Classification Sherloc (09022015). Collection method: clinical testing. Allele origin: germline.
Comment: In summary, the currently available evidence indicates that the variant is pathogenic, but additional data are needed to prove that conclusively. Therefore, this variant has been classified as Likely Pathogenic. Algorithms developed to predict the effect of sequence changes on RNA splicing suggest that this variant may disrupt the consensus splice site. ClinVar contains an entry for this variant (Variation ID: 557286). This variant has not been reported in the literature in individuals affected with EVC2-related conditions. This variant is not present in population databases (gnomAD no frequency). This sequence change affects an acceptor splice site in intron 15 of the EVC2 gene. It is expected to disrupt RNA splicing. Variants that disrupt the donor or acceptor splice site typically lead to a loss of protein function (PMID: 16199547), and loss-of-function variants in EVC2 are known to be pathogenic (PMID: 17024374, 19810119, 19876929).

Counsyl
Classification: Likely pathogenic for Ellis-van Creveld syndrome. Last evaluated: 2018-03-14. Review status: no assertion criteria provided. Collection method: clinical testing. Allele origin: unknown. Not counted in ClinVar's aggregate classification.

Literature cited by the submitters: PubMed 16199547 (cited by Labcorp Genetics (formerly Invitae), Labcorp); PubMed 17024374 (cited by Labcorp Genetics (formerly Invitae), Labcorp); PubMed 19810119 (cited by Labcorp Genetics (formerly Invitae), Labcorp); PubMed 19876929 (cited by Labcorp Genetics (formerly Invitae), Labcorp).

NM_147127.5(EVC2):c.2707-1G>T

Gene: EVC2 (EvC ciliary complex subunit 2; minus strand). Cytogenetic location: 4p16.2.
Variant type: single nucleotide variant.
Coding change: c.2707-1G>T on transcript NM_147127.5 (MANE Select); the canonical splice acceptor site of the intron before coding-DNA position 2707, G replaced by T.
Molecular consequence: splice acceptor variant.
Genome position (GRCh38, 1-based): chr4:5,615,545, C>A on the plus strand (G>T on the coding strand, the complement: EVC2 is on the minus strand). VCF-style: chr4-5615545-C-A. GRCh37 (hg19) VCF-style: chr4-5617272-C-A.
Other names: c.2467-1G>T (NM_001166136.2).
Identifiers: ClinVar variation 557286 (VCV000557286.7), dbSNP rs749251178, ClinGen allele CA356142460.